The following is an entry in ClinVar:

ClinVar aggregate classification (germline): Uncertain significance (1 of 4 stars; one submission).

Submission:

GeneDx
Classification: Uncertain significance. Last evaluated: 2019-10-04. Review status: criteria provided, single submitter. Criteria: GeneDx Variant Classification Process June 2021. Collection method: clinical testing. Allele origin: germline. Affected: yes.
Comment: Has not been previously published as pathogenic or benign to our knowledge; Not observed in large population cohorts (Lek et al., 2016); In silico analysis, which includes protein predictors and evolutionary conservation, supports a deleterious effect

NM_001371279.1(REEP1):c.99G>C (p.Lys33Asn)

Gene: REEP1 (receptor accessory protein 1; minus strand). Cytogenetic location: 2p11.2.
Variant type: single nucleotide variant.
Coding change: c.99G>C on transcript NM_001371279.1 (MANE Select); coding-DNA position 99, G replaced by C.
Protein change: p.Lys33Asn; replaces lysine 33 with asparagine.
Molecular consequence: missense variant. On other transcripts: intron variant (1).
Genome position (GRCh38, 1-based): chr2:86,282,176, C>G on the plus strand (G>C on the coding strand, the complement: REEP1 is on the minus strand). VCF-style: chr2-86282176-C-G. GRCh37 (hg19) VCF-style: chr2-86509299-C-G.
Other names: c.120G>C, p.Lys40Asn (NM_001164730.2); c.99G>C, p.Lys33Asn (NM_001164732.2, NM_001371280.1, NM_022912.3); c.25-18135G>C (NM_001164731.2); short protein forms K33N, K40N.
Identifiers: ClinVar variation 1308756 (VCV001308756.2), dbSNP rs2104394748, ClinGen allele CA347722453.